The following is an entry in ClinVar:

ClinVar aggregate classification (germline): Uncertain significance (1 of 4 stars; one submission).

Submission:

Labcorp Genetics (formerly Invitae), Labcorp
Classification: Uncertain significance. Last evaluated: 2022-02-06. Review status: criteria provided, single submitter. Criteria: Invitae Variant Classification Sherloc (09022015). Collection method: clinical testing. Allele origin: germline.
Comment: In summary, the available evidence is currently insufficient to determine the role of this variant in disease. Therefore, it has been classified as a Variant of Uncertain Significance. Variants that disrupt the consensus splice site are a relatively common cause of aberrant splicing (PMID: 17576681, 9536098). Algorithms developed to predict the effect of sequence changes on RNA splicing suggest that this variant may disrupt the consensus splice site. This variant has not been reported in the literature in individuals affected with CARMIL2-related conditions. This variant is not present in population databases (gnomAD no frequency). This sequence change falls in intron 18 of the CARMIL2 gene. It does not directly change the encoded amino acid sequence of the CARMIL2 protein. It affects a nucleotide within the consensus splice site.

Literature cited by the submitters: PubMed 17576681; PubMed 9536098.

NM_001013838.3(CARMIL2):c.1688+6C>A

Gene: CARMIL2 (capping protein regulator and myosin 1 linker 2; plus strand). Cytogenetic location: 16q22.1.
Variant type: single nucleotide variant.
Coding change: c.1688+6C>A on transcript NM_001013838.3 (MANE Select); 6 bases into the intron after coding-DNA position 1688, C replaced by A.
Molecular consequence: intron variant.
Genome position (GRCh38, 1-based): chr16:67,649,178, C>A. VCF-style: chr16-67649178-C-A. GRCh37 (hg19) VCF-style: chr16-67683081-C-A.
Other names: c.1580+6C>A (NM_001317026.3).
Identifiers: ClinVar variation 2093980 (VCV002093980.4), dbSNP rs1313153984, ClinGen allele CA2580091796.